The following is an entry in ClinVar:

NM_000051.4(ATM):c.8786_8786+3del

Genes: ATM (ATM serine/threonine kinase; plus strand), C11orf65 (chromosome 11 open reading frame 65; minus strand). Cytogenetic location: 11q22.3.
Variant type: Deletion.
Coding change: c.8786_8786+3del on transcript NM_000051.4 (MANE Select); coding-DNA position 8786 through 3 bases into the intron after coding-DNA position 8786, 4 bases deleted (GGTA; older notation c.8786_8786+3delGGTA).
Molecular consequence: splice donor variant. On other transcripts: intron variant (2).
Genome position (GRCh38, 1-based): chr11:108,353,880-108,353,883, GGTA deleted; deleting any 4 consecutive bases within chr11:108,353,879-108,353,883 gives the same sequence; the c. name uses the placement nearest the transcript's 3' end. VCF-style (leftmost placement, unchanged base first): chr11-108353878-AAGGT-A. GRCh37 (hg19) VCF-style: chr11-108224605-AAGGT-A.
Other names: c.8786_8786+3del (NM_001351834.2); c.640+32038_640+32041del (NM_001330368.2); c.695-18590_695-18587del (NM_001351110.2); c.8786_8786+3delGGTA (NM_000051.3).
Identifiers: ClinVar variation 407505 (VCV000407505.15), dbSNP rs1060501569, ClinGen allele CA16613455.
Genomic context (GRCh38, chr11:108,353,878, plus strand): 5'-TAGACTCACCAGAGATATTGTGGATGGCATGGGCATTACGGGTGTTGAAGGTGTCTTCAG[AAGGT>A]AAGTGATATGAAGTAAAGGAGGGAAATAATTTTTGATGTCAAAATTACATGGGCTGGGCA-3'

ClinVar aggregate classification (germline): Likely pathogenic. Review status: criteria provided, multiple submitters, no conflicts (2 of 4 stars). 4 submissions from 4 submitters: Likely pathogenic (4). Last evaluated 2025-04-14.

Conditions:
Hereditary cancer-predisposing syndrome. Also called: Neoplastic Syndromes, Hereditary; Hereditary Cancer Syndrome; Tumor predisposition; Hereditary neoplastic syndrome. Identifiers: Orphanet 140162, MedGen C0027672, MeSH D009386, MONDO:0015356.
Familial cancer of breast. Also called: Hereditary breast cancer; BREAST CANCER, FAMILIAL; hereditary breast carcinoma. Identifiers: Orphanet 227535, MedGen C0346153, MONDO:0016419, OMIM 114480. Disease mechanism: loss of function.
Ataxia-telangiectasia syndrome (AT). Also called: LOUIS-BAR SYNDROME; Cerebello-oculocutaneous telangiectasia; Immunodeficiency with ataxia telangiectasia; Ataxia-telangiectasia, complementation group D; AT, COMPLEMENTATION GROUP C; Ataxia-telangiectasia, complementation group E. Identifiers: Orphanet 100, MedGen C0004135, MONDO:0008840, OMIM 208900.

Submissions (4):

Molecular Diagnostics Laboratory, Catalan Institute of Oncology
Classification: Likely pathogenic for Hereditary cancer-predisposing syndrome. Last evaluated: 2025-04-14. Review status: criteria provided, single submitter. Criteria: ClinGen ACMG Specifications ATM V1.1.0. Collection method: clinical testing. Allele origin: germline.
Comment: PVS1, PM2_supporting c.8786_8786+3del, located in exon 60 of the ATM gene, consists in the deletion of 4 nucleotides, that envolves the last nucleotide of exon 60 and the donor splicing site of intron 60. This alteration is expected to result in loss of function by premature protein truncation and nonsense-mediated mRNA decay. The SpliceAI algorithm predicts that the variant abolishes the splicing donor site of intron 60, which would also result in truncated protein (PVS1). It is not present in the population database gnomAD v2.1.1, non cancer dataset (PM2_supporting). To our knowledge, neither relevant clinical data nor well-stablished functional studies have been reported for this variant. It has been reported in ClinVar (3x LP) and LOVD database (1x P). Based on the currently available information, 8786_8786+3del is classified as a pathogenic variant according to ClinGen-ATM Guidelines version 1.1.

Myriad Genetics, Inc.
Classification: Likely pathogenic for Familial cancer of breast. Last evaluated: 2024-02-05. Review status: criteria provided, single submitter. Criteria: Myriad Autosomal Dominant, Autosomal Recessive and X-Linked Classification Criteria (2023). Collection method: clinical testing. Allele origin: unknown.
Comment: This variant is considered likely pathogenic. This variant occurs within a consensus splice junction and is predicted to result in abnormal mRNA splicing of either an out-of-frame exon or an in-frame exon necessary for protein stability and/or normal function.

Labcorp Genetics (formerly Invitae), Labcorp
Classification: Likely pathogenic for Ataxia-telangiectasia syndrome. Last evaluated: 2022-09-01. Review status: criteria provided, single submitter. Criteria: Invitae Variant Classification Sherloc (09022015). Collection method: clinical testing. Allele origin: germline.
Comment: This variant has been observed in individual(s) with ataxia-telangiectasia (PMID: 32488064). This variant results in the deletion of part of exon 60 (c.8786_8786+3del) of the ATM gene. It is expected to disrupt RNA splicing. Variants that disrupt the donor or acceptor splice site typically lead to a loss of protein function (PMID: 16199547), and loss-of-function variants in ATM are known to be pathogenic (PMID: 23807571, 25614872). This variant is not present in population databases (gnomAD no frequency). This variant is also known as c.8785_8788delAGGT; p.Arg2929MetfsTfs*2. ClinVar contains an entry for this variant (Variation ID: 407505). Algorithms developed to predict the effect of sequence changes on RNA splicing suggest that this variant may disrupt the consensus splice site. In summary, the currently available evidence indicates that the variant is pathogenic, but additional data are needed to prove that conclusively. Therefore, this variant has been classified as Likely Pathogenic.

Ambry Genetics
Classification: Likely pathogenic for Hereditary cancer-predisposing syndrome. Last evaluated: 2019-01-08. Review status: criteria provided, single submitter. Criteria: Ambry Variant Classification Scheme 2023. Collection method: clinical testing. Allele origin: germline.
Comment: The c.8786_8786+3delGGTA variant results from a deletion of one nucleotide in coding exon 59 and three nucleotides in the adjacent intron of the ATM gene. The deleted region includes the last nucleotide of the exon and the canonical splice donor site, which is highly conserved in available vertebrate species. Using the BDGP and ESEfinder splice site prediction tools, this alteration is predicted to abolish the native splice donor site; however, direct evidence is unavailable. Alterations that disrupt the canonical splice site are expected to cause aberrant splicing, resulting in an abnormal protein or a transcript that is subject to nonsense-mediated mRNA decay. As such, this alteration is classified as likely pathogenic.

Literature cited by the submitters: PubMed 32488064 (cited by Labcorp Genetics (formerly Invitae), Labcorp); PubMed 16199547 (cited by Labcorp Genetics (formerly Invitae), Labcorp); PubMed 23807571 (cited by Labcorp Genetics (formerly Invitae), Labcorp); PubMed 25614872 (cited by Labcorp Genetics (formerly Invitae), Labcorp).